The following is an entry in ClinVar:

NM_020937.4(FANCM):c.4529A>G (p.Lys1510Arg)

Gene: FANCM (FA complementation group M; plus strand). Cytogenetic location: 14q21.2.
Variant type: single nucleotide variant.
Coding change: c.4529A>G on transcript NM_020937.4 (MANE Select); coding-DNA position 4529, A replaced by G.
Protein change: p.Lys1510Arg; replaces lysine 1510 with arginine.
Molecular consequence: missense variant.
Genome position (GRCh38, 1-based): chr14:45,185,230, A>G. VCF-style: chr14-45185230-A-G. GRCh37 (hg19) VCF-style: chr14-45654433-A-G.
Other names: c.4451A>G, p.Lys1484Arg (NM_001308133.2); short protein forms K1484R, K1510R.
Identifiers: ClinVar variation 4022809 (VCV004022809.1).

ClinVar aggregate classification (germline): Uncertain significance (1 of 4 stars; one submission).

Conditions:
Inborn genetic diseases. Identifiers: MedGen C0950123, MeSH D030342.

gnomAD v4.1: 6 of 1,598,102 alleles (0.00038%); highest among the groups gnomAD compares: Non-Finnish European, 0.00051%; no homozygotes.

Submission:

Ambry Genetics
Classification: Uncertain significance for Inborn genetic diseases. Last evaluated: 2025-05-24. Review status: criteria provided, single submitter. Criteria: Ambry Variant Classification Scheme 2023. Collection method: clinical testing. Allele origin: germline.
Comment: The p.K1510R variant (also known as c.4529A>G), located in coding exon 18 of the FANCM gene, results from an A to G substitution at nucleotide position 4529. The lysine at codon 1510 is replaced by arginine, an amino acid with highly similar properties. This amino acid position is conserved. In addition, this alteration is predicted to be tolerated by in silico analysis. Based on the available evidence, the clinical significance of this variant remains unclear.